The following is an entry in ClinVar:

NM_001365951.3(KIF1B):c.1376G>A (p.Ser459Asn)

Gene: KIF1B (kinesin family member 1B; plus strand). Cytogenetic location: 1p36.22.
Variant type: single nucleotide variant.
Coding change: c.1376G>A on transcript NM_001365951.3 (MANE Select); coding-DNA position 1376, G replaced by A.
Protein change: p.Ser459Asn; replaces serine 459 with asparagine.
Molecular consequence: missense variant.
Genome position (GRCh38, 1-based): chr1:10,282,475, G>A. VCF-style: chr1-10282475-G-A. GRCh37 (hg19) VCF-style: chr1-10342533-G-A.
Other names: c.1376G>A, p.Ser459Asn (NM_001365952.1); c.1238G>A, p.Ser413Asn (NM_001365953.1, NM_015074.3, NM_183416.4); short protein forms S459N, S413N.
Identifiers: ClinVar variation 875785 (VCV000875785.11), dbSNP rs375389310, ClinGen allele CA580951.

ClinVar aggregate classification (germline): Conflicting classifications of pathogenicity. Review status: criteria provided, conflicting classifications (1 of 4 stars). 3 submissions from 3 submitters: Uncertain significance (2); Likely benign (1). Last evaluated 2025-12-10.

Conditions:
Charcot-Marie-Tooth disease type 2. Also called: Charcot-Marie-Tooth type 2. Identifiers: Orphanet 64746, MedGen C0270914, MONDO:0018993.
Neuroblastoma (NB). Identifiers: Orphanet 635, MedGen C0027819, MeSH D009447, MONDO:0005072, HP:0003006.

Allele frequency attached by ClinVar (database versions not stated): TOPMed 0.00019; 1000 Genomes Project 0.00020; ExAC 0.00003; gnomAD exomes 0.00003; ESP Exome Variant Server 0.00008; gnomAD 0.00015; 1000 Genomes Project 30x 0.00016.
gnomAD v4.1: 50 of 1,614,120 alleles (0.0031%); highest among the groups gnomAD compares: African/African-American, 0.045%; no homozygotes.

Submissions (3):

Labcorp Genetics (formerly Invitae), Labcorp
Classification: Uncertain significance for Charcot-Marie-Tooth disease type 2. Last evaluated: 2025-12-10. Review status: criteria provided, single submitter. Criteria: Invitae Variant Classification Sherloc (09022015). Collection method: clinical testing. Allele origin: germline.
Comment: This sequence change replaces serine, which is neutral and polar, with asparagine, which is neutral and polar, at codon 413 of the KIF1B protein (p.Ser413Asn). This variant is present in population databases (rs375389310, gnomAD 0.05%), and has an allele count higher than expected for a pathogenic variant. This variant has not been reported in the literature in individuals affected with KIF1B-related conditions. ClinVar contains an entry for this variant (Variation ID: 875785). An algorithm developed to predict the effect of missense changes on protein structure and function (PolyPhen-2) suggests that this variant is likely to be disruptive. In summary, the available evidence is currently insufficient to determine the role of this variant in disease. Therefore, it has been classified as a Variant of Uncertain Significance.

Ambry Genetics
Classification: Likely benign. Last evaluated: 2024-05-15. Review status: criteria provided, single submitter. Criteria: Ambry Variant Classification Scheme 2023. Collection method: clinical testing. Allele origin: germline.

Illumina Laboratory Services, Illumina
Classification: Uncertain significance for Neuroblastoma. Last evaluated: 2017-04-28. Review status: criteria provided, single submitter. Criteria: ICSL Variant Classification Criteria 13 December 2019. Collection method: clinical testing. Allele origin: germline.